The following is an entry in ClinVar:

NM_017775.3(TTC19):c.-514T>G

Genes: TTC19 (tetratricopeptide repeat domain 19; plus strand), ZSWIM7 (zinc finger SWIM-type containing 7; minus strand), LOC130060309 (ATAC-STARR-seq lymphoblastoid silent region 8213; plus strand). Cytogenetic location: 17p12.
Variant type: single nucleotide variant.
Coding change: c.-514T>G on transcript NM_017775.3; 514 bases upstream of the start codon, T replaced by G.
Molecular consequence: intron variant (on NM_001042697.2).
Genome position (GRCh38, 1-based): chr17:15,999,335, T>G. VCF-style: chr17-15999335-T-G. GRCh37 (hg19) VCF-style: chr17-15902649-T-G.
Other names: c.76+184A>C (NM_001042698.2, NM_001042697.2).
Identifiers: ClinVar variation 676616 (VCV000676616.4), dbSNP rs61747652, ClinGen allele CA8407117.
Genomic context (GRCh38, chr17:15,999,335, plus strand): 5'-GAGGGGCTCCTGCAACTGCGCTGTACCGTAAATATTTGCTGAATCGATTTGACTTTTACT[T>G]GTTCCAATTTCGCTTTTTTGTTGTTTTGTTTTTTTGTCTTTTTACGAACAAGAGGTTTAG-3'

ClinVar aggregate classification (germline): Benign. Review status: criteria provided, multiple submitters, no conflicts (2 of 4 stars). 2 submissions from 2 submitters: Benign (2). Last evaluated 2018-06-14.

Allele frequency attached by ClinVar (database versions not stated): TOPMed 0.02135; gnomAD exomes 0.00429 and 0.00208; gnomAD 0.02051 and 0.01898; 1000 Genomes Project 30x 0.02327; ExAC 0.00128; 1000 Genomes Project 0.01977.
gnomAD v4.1: 4,257 of 780,030 alleles (0.55%); highest among the groups gnomAD compares: African/African-American, 6.6%; 132 homozygotes.

Submissions (2):

GeneDx
Classification: Benign. Last evaluated: 2018-06-14. Review status: criteria provided, single submitter. Criteria: GeneDx Variant Classification (06012015). Collection method: clinical testing. Allele origin: germline. Affected: yes.
Comment: This variant is considered likely benign or benign based on one or more of the following criteria: it is a conservative change, it occurs at a poorly conserved position in the protein, it is predicted to be benign by multiple in silico algorithms, and/or has population frequency not consistent with disease.

Breakthrough Genomics
Classification: Benign. Review status: criteria provided, single submitter. Criteria: ACMG Guidelines, 2015. Collection method: not provided. Allele origin: germline. Inheritance: Autosomal recessive inheritance. Affected: yes.